The following is an entry in ClinVar:

ClinVar aggregate classification (germline): Conflicting classifications of pathogenicity. Review status: criteria provided, conflicting classifications (1 of 4 stars). 2 submissions from 2 submitters: Likely pathogenic (1); Uncertain significance (1). Last evaluated 2024-10-01.

Conditions:
Congenital microvillous atrophy (DIAR2). Also called: CONGENITAL FAMILIAL PROTRACTED DIARRHEA WITH ENTEROCYTE BRUSH-BORDER ABNORMALITIES; DAVIDSON DISEASE; MICROVILLUS ATROPHY, CONGENITAL; Microvillus inclusion disease; Diarrhea 2 with microvillus atrophy, with or without cholestasis. Identifiers: Orphanet 2290, MedGen C0341306, MONDO:0009635, OMIM 251850.

Submissions (2):

CeGaT Center for Human Genetics Tuebingen
Classification: Uncertain significance. Last evaluated: 2024-10-01. Review status: criteria provided, single submitter. Criteria: CeGaT Center For Human Genetics Tuebingen Variant Classification Criteria Version 2. Collection method: clinical testing. Allele origin: germline. Affected: yes. Observed: 1 variant allele.
Comment: MYO5B: PM2, PM3:Supporting, PP3, PP4

Institute for Medical Genetics and Human Genetics, Charité - Universitätsmedizin Berlin
Classification: Likely pathogenic for Congenital microvillous atrophy. Review status: criteria provided, single submitter. Criteria: ACMG Guidelines, 2015. Collection method: not provided. Allele origin: germline. Inheritance: Autosomal recessive inheritance. Affected: yes.

NM_001080467.3(MYO5B):c.1983C>G (p.Asn661Lys)

Gene: MYO5B (myosin VB; minus strand). Cytogenetic location: 18q21.1.
Variant type: single nucleotide variant.
Coding change: c.1983C>G on transcript NM_001080467.3 (MANE Select); coding-DNA position 1983, C replaced by G.
Protein change: p.Asn661Lys; replaces asparagine 661 with lysine.
Molecular consequence: missense variant.
Genome position (GRCh38, 1-based): chr18:49,936,272, G>C on the plus strand (C>G on the coding strand, the complement: MYO5B is on the minus strand). VCF-style: chr18-49936272-G-C. GRCh37 (hg19) VCF-style: chr18-47462642-G-C.
Other names: short protein forms N661K.
Identifiers: ClinVar variation 2580930 (VCV002580930.16), dbSNP rs751693653, ClinGen allele CA402444492.